The following is an entry in ClinVar:

NM_004360.5(CDH1):c.70G>T (p.Glu24Ter)

Gene: CDH1 (cadherin 1; plus strand). Cytogenetic location: 16q22.1.
Variant type: single nucleotide variant.
Coding change: c.70G>T on transcript NM_004360.5 (MANE Select); coding-DNA position 70, G replaced by T.
Protein change: p.Glu24Ter; replaces glutamic acid 24 with a stop codon.
Molecular consequence: nonsense. On other transcripts: 5 prime UTR variant (2).
Genome position (GRCh38, 1-based): chr16:68,738,318, G>T. VCF-style: chr16-68738318-G-T. GRCh37 (hg19) VCF-style: chr16-68772221-G-T.
Other names: c.70G>T, p.Glu24Ter (LRG_301t1, NM_001317184.2); c.-1546G>T (NM_001317185.2); c.-1750G>T (NM_001317186.2); short protein forms E24*.
Identifiers: ClinVar variation 12240 (VCV000012240.17), dbSNP rs121964876, ClinGen allele CA280997.

ClinVar aggregate classification (germline): Pathogenic. Review status: reviewed by expert panel (3 of 4 stars). 5 submissions from 5 submitters: Pathogenic (1). 4 of the submissions do not count toward it. Last evaluated 2023-08-29.

Conditions:
CDH1-related diffuse gastric and lobular breast cancer syndrome. Also called: CDH1-related diffuse gastric and lobular breast cancer. Identifiers: MedGen CN311521, MONDO:0100488.
Hereditary cancer-predisposing syndrome. Also called: Neoplastic Syndromes, Hereditary; Tumor predisposition; Hereditary Cancer Syndrome; Hereditary neoplastic syndrome. Identifiers: Orphanet 140162, MedGen C0027672, MeSH D009386, MONDO:0015356.
Hereditary diffuse gastric adenocarcinoma (HDGC). Also called: DIFFUSE GASTRIC AND LOBULAR BREAST CANCER SYNDROME. Identifiers: Orphanet 26106, MedGen C1708349, MONDO:0007648, OMIM 137215.

Submissions (5):

Clingen Gastric Cancer Variant Curation Expert Panel
Classification: Pathogenic for CDH1-related diffuse gastric and lobular breast cancer syndrome. Last evaluated: 2023-08-29. Review status: reviewed by expert panel. Criteria: ClinGen CDH1 ACMG Specifications V3.1. Collection method: curation. Allele origin: germline. Inheritance: Autosomal dominant inheritance.
Comment: The c.70G>T p.(Glu24Ter) variant is predicted to result in a premature stop codon that leads to a truncated or absent protein (PVS1, PM5_Supporting). This variant is absent in the gnomAD cohort (PM2_Supporting). The variant has been reported in at least one family meeting HDGC clinical criteria (PS4_Supporting; PMID: 10477433, 11104024). The variant was also found to co-segregate with disease in multiple affected family members, with 3 meioses observed (PP1; PMID: 10477433, 11104024). In summary, this variant meets criteria to be classified as pathogenic based on the ACMG/AMP criteria applied as specified by the CDH1 Variant Curation Expert Panel (Variant Interpretation Guidelines Version 3.1): PVS1, PM2_Supporting, PP1, PS4_Supporting, PM5_Supporting.

Myriad Genetics, Inc.
Classification: Pathogenic for Hereditary diffuse gastric adenocarcinoma. Last evaluated: 2026-03-03. Review status: criteria provided, single submitter. Criteria: Myriad Autosomal Dominant, Autosomal Recessive and X-Linked Classification Criteria (2023). Collection method: clinical testing. Allele origin: unknown. Not counted in ClinVar's aggregate classification.
Comment: This variant is considered pathogenic. This variant creates a termination codon and is predicted to result in premature protein truncation.

Ambry Genetics
Classification: Pathogenic for Hereditary cancer-predisposing syndrome. Last evaluated: 2025-07-25. Review status: criteria provided, single submitter. Criteria: Ambry Variant Classification Scheme 2023. Collection method: clinical testing. Allele origin: germline. Not counted in ClinVar's aggregate classification.
Comment: The p.E24* pathogenic mutation (also known as c.70G>T), located in coding exon 2 of the CDH1 gene, results from a G to T substitution at nucleotide position 70. This changes the amino acid from a glutamic acid to a stop codon within coding exon 2. This mutation has been detected in two families with strong histories of diffuse gastric cancer as well as in an individual with signet ring cell carcinoma (Guilford PJ et al. Hum. Mutat., 1999;14:249-55; Lynch HT et al. Cancer, 2008 Jun;112:2655-63; Lee HE et al. Hum. Pathol., 2018 Jan;:). This variant is considered to be rare based on population cohorts in the Genome Aggregation Database (gnomAD). In addition to the clinical data presented in the literature, this alteration is expected to result in loss of function by premature protein truncation or nonsense-mediated mRNA decay. As such, this alteration is interpreted as a disease-causing mutation.

Labcorp Genetics (formerly Invitae), Labcorp
Classification: Pathogenic for Hereditary diffuse gastric adenocarcinoma. Last evaluated: 2023-01-16. Review status: criteria provided, single submitter. Criteria: Invitae Variant Classification Sherloc (09022015). Collection method: clinical testing. Allele origin: germline. Not counted in ClinVar's aggregate classification.
Comment: For these reasons, this variant has been classified as Pathogenic. ClinVar contains an entry for this variant (Variation ID: 12240). This premature translational stop signal has been observed in individual(s) with hereditary diffuse gastric cancer (HDGC) (PMID: 10477433). It has also been observed to segregate with disease in related individuals. This variant is not present in population databases (gnomAD no frequency). This sequence change creates a premature translational stop signal (p.Glu24*) in the CDH1 gene. It is expected to result in an absent or disrupted protein product. Loss-of-function variants in CDH1 are known to be pathogenic (PMID: 15235021, 20373070).

OMIM
Classification: Pathogenic for DIFFUSE GASTRIC AND LOBULAR BREAST CANCER SYNDROME. Last evaluated: 2000-10-01. Review status: no assertion criteria provided. Collection method: literature only. Allele origin: germline. Not counted in ClinVar's aggregate classification.

Literature cited by the submitters: PubMed 11104024 (cited by Clingen Gastric Cancer Variant Curation Expert Panel and OMIM); PubMed 10477433 (cited by 4 submitters); PubMed 17545690 (cited by Ambry Genetics); PubMed 18442100 (cited by Ambry Genetics); PubMed 29307626 (cited by Ambry Genetics); PubMed 15235021 (cited by Labcorp Genetics (formerly Invitae), Labcorp); PubMed 20373070 (cited by Labcorp Genetics (formerly Invitae), Labcorp).